The following is an entry in ClinVar:

ClinVar aggregate classification (germline): Uncertain significance (1 of 4 stars; one submission).

Conditions:
Muscular dystrophy-dystroglycanopathy (congenital with impaired intellectual development), type B, 2. Also called: Muscular dystrophy-dystroglycanopathy (congenital with intellectual disability), type B2; MUSCULAR DYSTROPHY, CONGENITAL, POMT2-RELATED. Identifiers: MedGen C3150416, MONDO:0013160, OMIM 613156.
Autosomal recessive limb-girdle muscular dystrophy type 2N. Also called: Muscular dystrophy-dystroglycanopathy (limb-girdle), type C, 2; MUSCULAR DYSTROPHY-DYSTROGLYCANOPATHY, LIMB-GIRDLE, POMT2-RELATED. Identifiers: Orphanet 206559, MedGen C3150418, MONDO:0013162, OMIM 613158.
Muscular dystrophy-dystroglycanopathy (congenital with brain and eye anomalies), type A2. Also called: MUSCULAR DYSTROPHY-DYSTROGLYCANOPATHY (CONGENITAL WITH BRAIN AND EYE ANOMALIES), TYPE A, 2; WALKER-WARBURG SYNDROME OR MUSCLE-EYE-BRAIN DISEASE, POMT2-RELATED. Identifiers: Orphanet 588, Orphanet 899, MedGen C3150411, MONDO:0013154, OMIM 613150.

Allele frequency attached by ClinVar (database versions not stated): gnomAD exomes below 0.00001 and 0.00001.
gnomAD v4.1: 4 of 1,505,726 alleles (0.00027%); highest among the groups gnomAD compares: East Asian, 0.0098%; no homozygotes.

Submission:

Labcorp Genetics (formerly Invitae), Labcorp
Classification: Uncertain significance for Muscular dystrophy-dystroglycanopathy (congenital with impaired intellectual development), type B, 2; Muscular dystrophy-dystroglycanopathy (congenital with brain and eye anomalies), type A2; Autosomal recessive limb-girdle muscular dystrophy type 2N. Last evaluated: 2025-01-20. Review status: criteria provided, single submitter. Criteria: Invitae Variant Classification Sherloc (09022015). Collection method: clinical testing. Allele origin: germline.
Comment: This sequence change replaces proline, which is neutral and non-polar, with leucine, which is neutral and non-polar, at codon 696 of the POMT2 protein (p.Pro696Leu). The frequency data for this variant in the population databases is considered unreliable, as metrics indicate poor data quality at this position in the gnomAD database. This variant has not been reported in the literature in individuals affected with POMT2-related conditions. ClinVar contains an entry for this variant (Variation ID: 569111). Invitae Evidence Modeling of protein sequence and biophysical properties (such as structural, functional, and spatial information, amino acid conservation, physicochemical variation, residue mobility, and thermodynamic stability) has been performed for this missense variant. However, the output from this modeling did not meet the statistical confidence thresholds required to predict the impact of this variant on POMT2 protein function. In summary, the available evidence is currently insufficient to determine the role of this variant in disease. Therefore, it has been classified as a Variant of Uncertain Significance.

NM_013382.7(POMT2):c.2087C>T (p.Pro696Leu)

Gene: POMT2 (protein O-mannosyltransferase 2; minus strand). Cytogenetic location: 14q24.3.
Variant type: single nucleotide variant.
Coding change: c.2087C>T on transcript NM_013382.7 (MANE Select); coding-DNA position 2087, C replaced by T.
Protein change: p.Pro696Leu; replaces proline 696 with leucine.
Molecular consequence: missense variant.
Genome position (GRCh38, 1-based): chr14:77,278,454, G>A on the plus strand (C>T on the coding strand, the complement: POMT2 is on the minus strand). VCF-style: chr14-77278454-G-A. GRCh37 (hg19) VCF-style: chr14-77744797-G-A.
Other names: short protein forms P696L.
Identifiers: ClinVar variation 569111 (VCV000569111.12), dbSNP rs1449000965, ClinGen allele CA390513496.